The following is an entry in ClinVar:

NM_000143.4(FH):c.340C>A (p.Pro114Thr)

Gene: FH (fumarate hydratase; minus strand). Cytogenetic location: 1q43.
Variant type: single nucleotide variant.
Coding change: c.340C>A on transcript NM_000143.4 (MANE Select); coding-DNA position 340, C replaced by A.
Protein change: p.Pro114Thr; replaces proline 114 with threonine.
Molecular consequence: missense variant.
Genome position (GRCh38, 1-based): chr1:241,513,641, G>T on the plus strand (C>A on the coding strand, the complement: FH is on the minus strand). VCF-style: chr1-241513641-G-T. GRCh37 (hg19) VCF-style: chr1-241676941-G-T.
Other names: c.340C>A (NM_000143.3); short protein forms P114T.
Identifiers: ClinVar variation 1027112 (VCV001027112.11), dbSNP rs199539887, ClinGen allele CA40333051.
Genomic context (GRCh38, chr1:241,513,641, plus strand): 5'-AAACACACTTATCACCTCCTACCTCATCTGCTGCCTTCATTATTGCATTAGCAATCTTTG[G>T]ATCAAGACCATAATCCTGGTTTACTTCAGCGGCCGCTCGCTTCAAGATGCCAAAAGCTTT-3'
Protein context (NP_000134.2, residues 104-124): AEVNQDYGLD[Pro114Thr]KIANAIMKAA

ClinVar aggregate classification (germline): Uncertain significance. Review status: criteria provided, multiple submitters, no conflicts (2 of 4 stars). 3 submissions from 3 submitters: Uncertain significance (2). 1 of the submissions does not count toward it. Last evaluated 2025-02-22.

Conditions:
Fumarase deficiency (FMRD). Also called: Fumaric aciduria; Fumarate Hydratase Deficiency. Identifiers: Orphanet 24, MedGen C0342770, MONDO:0011730, OMIM 606812.
Hereditary cancer-predisposing syndrome. Also called: Hereditary neoplastic syndrome; Neoplastic Syndromes, Hereditary; Tumor predisposition; Hereditary Cancer Syndrome. Identifiers: Orphanet 140162, MedGen C0027672, MeSH D009386, MONDO:0015356.

Allele frequency attached by ClinVar (database versions not stated): TOPMed below 0.00001; gnomAD 0.00002.
gnomAD v4.1: 3 of 1,613,898 alleles (0.00019%); highest among the groups gnomAD compares: African/African-American, 0.004%; no homozygotes.

Submissions (3):

Labcorp Genetics (formerly Invitae), Labcorp
Classification: Uncertain significance. Last evaluated: 2025-02-22. Review status: criteria provided, single submitter. Criteria: Invitae Variant Classification Sherloc (09022015). Collection method: clinical testing. Allele origin: germline.
Comment: This sequence change replaces proline, which is neutral and non-polar, with threonine, which is neutral and polar, at codon 114 of the FH protein (p.Pro114Thr). This variant is present in population databases (rs199539887, gnomAD 0.02%). This variant has not been reported in the literature in individuals affected with FH-related conditions. ClinVar contains an entry for this variant (Variation ID: 1027112). Invitae Evidence Modeling of protein sequence and biophysical properties (such as structural, functional, and spatial information, amino acid conservation, physicochemical variation, residue mobility, and thermodynamic stability) indicates that this missense variant is not expected to disrupt FH protein function with a negative predictive value of 80%. In summary, the available evidence is currently insufficient to determine the role of this variant in disease. Therefore, it has been classified as a Variant of Uncertain Significance.

Ambry Genetics
Classification: Uncertain significance for Hereditary cancer-predisposing syndrome. Last evaluated: 2024-02-01. Review status: criteria provided, single submitter. Criteria: Ambry Variant Classification Scheme 2023. Collection method: clinical testing. Allele origin: germline.
Comment: The p.P114T variant (also known as c.340C>A), located in coding exon 3 of the FH gene, results from a C to A substitution at nucleotide position 340. The proline at codon 114 is replaced by threonine, an amino acid with highly similar properties. This amino acid position is conserved. In addition, this alteration is predicted to be deleterious by in silico analysis. Based on the available evidence, the clinical significance of this alteration remains unclear.

Natera, Inc.
Classification: Uncertain significance for Fumarase Deficiency. Last evaluated: 2025-03-18. Review status: no assertion criteria provided. Collection method: clinical testing. Allele origin: germline. Not counted in ClinVar's aggregate classification.